The following is an entry in ClinVar:

ClinVar aggregate classification (germline): Uncertain significance (1 of 4 stars; one submission).

Conditions:
Dilated cardiomyopathy 1W (CMD1W). Identifiers: Orphanet 154, MedGen C1969639, MONDO:0012667, OMIM 611407.

Allele frequency attached by ClinVar (database versions not stated): gnomAD exomes below 0.00001; TOPMed below 0.00001.
gnomAD v4.1: 1 of 1,614,128 alleles (0.000062%); highest among the groups gnomAD compares: Non-Finnish European, 0.000085%; no homozygotes.

Submission:

Labcorp Genetics (formerly Invitae), Labcorp
Classification: Uncertain significance for Dilated cardiomyopathy 1W. Last evaluated: 2019-11-19. Review status: criteria provided, single submitter. Criteria: Invitae Variant Classification Sherloc (09022015). Collection method: clinical testing. Allele origin: germline.
Comment: Algorithms developed to predict the effect of missense changes on protein structure and function are either unavailable or do not agree on the potential impact of this missense change (SIFT: "Not Available"; PolyPhen-2: "Probably Damaging"; Align-GVGD: "Not Available"). This variant has not been reported in the literature in individuals with VCL-related conditions. This variant is not present in population databases (ExAC no frequency). This sequence change replaces aspartic acid with asparagine at codon 776 of the VCL protein (p.Asp776Asn). The aspartic acid residue is highly conserved and there is a small physicochemical difference between aspartic acid and asparagine. In summary, the available evidence is currently insufficient to determine the role of this variant in disease. Therefore, it has been classified as a Variant of Uncertain Significance.

NM_014000.3(VCL):c.2326G>A (p.Asp776Asn)

Gene: VCL (vinculin; plus strand). Cytogenetic location: 10q22.2.
Variant type: single nucleotide variant.
Coding change: c.2326G>A on transcript NM_014000.3 (MANE Select); coding-DNA position 2326, G replaced by A.
Protein change: p.Asp776Asn; replaces aspartic acid 776 with asparagine.
Molecular consequence: missense variant.
Genome position (GRCh38, 1-based): chr10:74,105,245, G>A. VCF-style: chr10-74105245-G-A. GRCh37 (hg19) VCF-style: chr10-75865003-G-A.
Other names: c.2326G>A, p.Asp776Asn (NM_003373.4); short protein forms D776N.
Identifiers: ClinVar variation 850279 (VCV000850279.8), dbSNP rs1212206964, ClinGen allele CA377262519.